The following is an entry in ClinVar:

ClinVar aggregate classification (germline): Uncertain significance (1 of 4 stars; one submission).

Submission:

Labcorp Genetics (formerly Invitae), Labcorp
Classification: Uncertain significance. Last evaluated: 2025-01-24. Review status: criteria provided, single submitter. Criteria: Invitae Variant Classification Sherloc (09022015). Collection method: clinical testing. Allele origin: germline.
Comment: This sequence change replaces cysteine, which is neutral and slightly polar, with tyrosine, which is neutral and polar, at codon 476 of the MYO6 protein (p.Cys476Tyr). This variant is not present in population databases (gnomAD no frequency). This variant has not been reported in the literature in individuals affected with MYO6-related conditions. Invitae Evidence Modeling of protein sequence and biophysical properties (such as structural, functional, and spatial information, amino acid conservation, physicochemical variation, residue mobility, and thermodynamic stability) has been performed for this missense variant. However, the output from this modeling did not meet the statistical confidence thresholds required to predict the impact of this variant on MYO6 protein function. In summary, the available evidence is currently insufficient to determine the role of this variant in disease. Therefore, it has been classified as a Variant of Uncertain Significance.

NM_004999.4(MYO6):c.1427G>A (p.Cys476Tyr)

Gene: MYO6 (myosin VI; plus strand). Cytogenetic location: 6q14.1.
Variant type: single nucleotide variant.
Coding change: c.1427G>A on transcript NM_004999.4 (MANE Select); coding-DNA position 1427, G replaced by A.
Protein change: p.Cys476Tyr; replaces cysteine 476 with tyrosine.
Molecular consequence: missense variant. On other transcripts: non-coding transcript variant (1).
Genome position (GRCh38, 1-based): chr6:75,858,947, G>A. VCF-style: chr6-75858947-G-A. GRCh37 (hg19) VCF-style: chr6-76568664-G-A.
Other names: c.1427G>A, p.Cys476Tyr (NM_001300899.2, NM_001368136.1, NM_001368137.1 and 2 more transcripts); c.1412G>A, p.Cys471Tyr (NM_001368138.1); short protein forms C471Y, C476Y.
Identifiers: ClinVar variation 3719885 (VCV003719885.2).
Genomic context (GRCh38, chr6:75,858,947, plus strand): 5'-GTTTTATATTTTCAGAGTACTTTGAGCATAACAGTTTTGAACAATTTTGCATCAACTATT[G>A]CAATGAAAAACTTCAACAATTTTTTAATGAAAGGATTCTGAAGGAGGTAATTGCCATTAT-3'
Protein context (NP_004990.3, residues 466-486): NSFEQFCINY[Cys476Tyr]NEKLQQFFNE